The following is an entry in ClinVar:

ClinVar aggregate classification (germline): Likely benign (1 of 4 stars; one submission).

Allele frequency attached by ClinVar (database versions not stated): TOPMed 0.00035; ESP Exome Variant Server 0.00039; gnomAD exomes 0.00054; gnomAD 0.00060; ExAC 0.00124.
gnomAD v4.1: 882 of 1,611,786 alleles (0.055%); highest among the groups gnomAD compares: Non-Finnish European, 0.053%; 1 homozygote.

Submission:

CeGaT Center for Human Genetics Tuebingen
Classification: Likely benign. Last evaluated: 2022-10-01. Review status: criteria provided, single submitter. Criteria: CeGaT Center For Human Genetics Tuebingen Variant Classification Criteria Version 2. Collection method: clinical testing. Allele origin: germline. Affected: yes. Observed: 1 variant allele.
Comment: TBC1D2B: BP4, BP7

NM_144572.2(TBC1D2B):c.1530C>G (p.Leu510=)

Gene: TBC1D2B (TBC1 domain family member 2B; minus strand). Cytogenetic location: 15q25.1.
Variant type: single nucleotide variant.
Coding change: c.1530C>G on transcript NM_144572.2 (MANE Select); coding-DNA position 1530, C replaced by G.
Protein change: p.Leu510=; no amino-acid change (leucine 510 retained).
Molecular consequence: synonymous variant.
Genome position (GRCh38, 1-based): chr15:78,017,898, G>C on the plus strand (C>G on the coding strand, the complement: TBC1D2B is on the minus strand). VCF-style: chr15-78017898-G-C. GRCh37 (hg19) VCF-style: chr15-78310240-G-C.
Other names: c.1194C>G, p.Leu398= (NM_001387146.1, NM_001387147.1, NM_001387148.1 and 1 more transcripts); c.1080C>G, p.Leu360= (NM_001387149.1); c.1530C>G, p.Leu510= (NM_015079.6, NM_001387142.1, NM_001387144.1); c.1527C>G, p.Leu509= (NM_001387143.1).
Identifiers: ClinVar variation 2645605 (VCV002645605.24), dbSNP rs142585404, ClinGen allele CA7679417.